The following is an entry in ClinVar:

NM_015102.5(NPHP4):c.2486-6A>G

Gene: NPHP4 (nephrocystin 4; minus strand). Cytogenetic location: 1p36.31.
Variant type: single nucleotide variant.
Coding change: c.2486-6A>G on transcript NM_015102.5 (MANE Select); 6 bases into the intron before coding-DNA position 2486, A replaced by G.
Molecular consequence: intron variant.
Genome position (GRCh38, 1-based): chr1:5,880,245, T>C on the plus strand (A>G on the coding strand, the complement: NPHP4 is on the minus strand). VCF-style: chr1-5880245-T-C. GRCh37 (hg19) VCF-style: chr1-5940305-T-C.
Other names: c.950-6A>G (NM_001291594.2); c.947-6A>G (NM_001291593.2); c.2486-6A>G (NM_015102.4).
Identifiers: ClinVar variation 1586453 (VCV001586453.10), dbSNP rs191289431, ClinGen allele CA554083.

ClinVar aggregate classification (germline): Likely benign. Review status: criteria provided, multiple submitters, no conflicts (2 of 4 stars). 3 submissions from 3 submitters: Likely benign (3). Last evaluated 2026-01-04.

Conditions:
Nephronophthisis. Also called: Juvenile Nephronophthisis. Identifiers: Orphanet 655, MedGen C0687120, MONDO:0019005, HP:0000090.
NPHP4-related disorder. Also called: NPHP4-related condition; NPHP4-related disorders. Identifiers: MedGen CN239384.

Allele frequency attached by ClinVar (database versions not stated): ExAC 0.00001; gnomAD exomes 0.00001; ESP Exome Variant Server 0.00008; TOPMed 0.00009; gnomAD 0.00012.
gnomAD v4.1: 20 of 1,613,056 alleles (0.0012%); highest among the groups gnomAD compares: African/African-American, 0.025%; no homozygotes.

Submissions (3):

Labcorp Genetics (formerly Invitae), Labcorp
Classification: Likely benign for Nephronophthisis. Last evaluated: 2026-01-04. Review status: criteria provided, single submitter. Criteria: Invitae Variant Classification Sherloc (09022015). Collection method: clinical testing. Allele origin: germline.

PreventionGenetics, part of Exact Sciences
Classification: Likely benign for NPHP4-related condition. Last evaluated: 2024-12-16. Review status: criteria provided, single submitter. Criteria: ACMG Guidelines, 2015. Collection method: clinical testing. Allele origin: germline.
Comment: This variant is classified as likely benign based on ACMG/AMP sequence variant interpretation guidelines (Richards et al. 2015 PMID: 25741868, with internal and published modifications).

Blueprint Genetics
Classification: Likely benign. Last evaluated: 2022-09-16. Review status: criteria provided, single submitter. Criteria: ACMG Guidelines, 2015. Collection method: clinical testing. Allele origin: germline.